The following is an entry in ClinVar:

NM_153240.5(NPHP3):c.209T>C (p.Leu70Pro)

Genes: NPHP3 (nephrocystin 3; minus strand), NPHP3-AS1 (NPHP3 antisense RNA 1; plus strand), NPHP3-ACAD11 (NPHP3-ACAD11 readthrough (NMD candidate); minus strand), LOC129937586 (ATAC-STARR-seq lymphoblastoid silent region 14743; plus strand). Cytogenetic location: 3q22.1.
Variant type: single nucleotide variant.
Coding change: c.209T>C on transcript NM_153240.5 (MANE Select); coding-DNA position 209, T replaced by C.
Protein change: p.Leu70Pro; replaces leucine 70 with proline.
Molecular consequence: missense variant. On other transcripts: non-coding transcript variant (3).
Genome position (GRCh38, 1-based): chr3:132,722,147, A>G on the plus strand (T>C on the coding strand, the complement: NPHP3 is on the minus strand). VCF-style: chr3-132722147-A-G. GRCh37 (hg19) VCF-style: chr3-132440991-A-G.
Other names: p.Leu70Pro; c.209T>C (NM_153240.4); short protein forms L70P.
Identifiers: ClinVar variation 1034512 (VCV001034512.8), dbSNP rs867826443, ClinGen allele CA83610905.

ClinVar aggregate classification (germline): Uncertain significance. Review status: criteria provided, multiple submitters, no conflicts (2 of 4 stars). 4 submissions from 4 submitters: Uncertain significance (4). Last evaluated 2024-10-15.

Conditions:
Renal-hepatic-pancreatic dysplasia 1 (RHPD1). Identifiers: MedGen C3715199, MONDO:0008833, OMIM 208540.
Nephronophthisis 3 (NPHP3). Also called: Adolescent nephronophthisis. Identifiers: Orphanet 655, MedGen C1858392, MONDO:0011456, OMIM 604387.
NPHP3-related Meckel-like syndrome. Also called: Meckel syndrome type 7; GOLDSTON SYNDROME. Identifiers: Orphanet 3032, MedGen C2673885, MONDO:0009966, OMIM 267010.
Inborn genetic diseases. Identifiers: MedGen C0950123, MeSH D030342.
Nephronophthisis. Also called: Juvenile Nephronophthisis. Identifiers: Orphanet 655, MedGen C0687120, MONDO:0019005, HP:0000090.

Allele frequency attached by ClinVar (database versions not stated): gnomAD exomes below 0.00001 and 0.00001; gnomAD 0.00005; TOPMed 0.00006.

Submissions (4):

Labcorp Genetics (formerly Invitae), Labcorp
Classification: Uncertain significance for Nephronophthisis. Last evaluated: 2024-10-15. Review status: criteria provided, single submitter. Criteria: Invitae Variant Classification Sherloc (09022015). Collection method: clinical testing. Allele origin: germline.
Comment: This sequence change replaces leucine, which is neutral and non-polar, with proline, which is neutral and non-polar, at codon 70 of the NPHP3 protein (p.Leu70Pro). This variant is present in population databases (no rsID available, gnomAD 0.03%). This variant has not been reported in the literature in individuals affected with NPHP3-related conditions. ClinVar contains an entry for this variant (Variation ID: 1034512). Invitae Evidence Modeling of protein sequence and biophysical properties (such as structural, functional, and spatial information, amino acid conservation, physicochemical variation, residue mobility, and thermodynamic stability) indicates that this missense variant is not expected to disrupt NPHP3 protein function with a negative predictive value of 80%. In summary, the available evidence is currently insufficient to determine the role of this variant in disease. Therefore, it has been classified as a Variant of Uncertain Significance.

Ambry Genetics
Classification: Uncertain significance for Inborn genetic diseases. Last evaluated: 2024-09-30. Review status: criteria provided, single submitter. Criteria: Ambry Variant Classification Scheme 2023. Collection method: clinical testing. Allele origin: germline.

Mayo Clinic Laboratories, Mayo Clinic
Classification: Uncertain significance. Last evaluated: 2022-08-11. Review status: criteria provided, single submitter. Criteria: ACMG Guidelines, 2015. Collection method: clinical testing. Allele origin: germline. Observed: 1 variant allele.

Fulgent Genetics
Classification: Uncertain significance for Renal-hepatic-pancreatic dysplasia 1; NPHP3-related Meckel-like syndrome; Nephronophthisis 3. Last evaluated: 2022-03-28. Review status: criteria provided, single submitter. Criteria: ACMG Guidelines, 2015. Collection method: clinical testing. Allele origin: unknown.